The following is an entry in ClinVar:

ClinVar aggregate classification (germline): Uncertain significance (1 of 4 stars; one submission).

Allele frequency attached by ClinVar (database versions not stated): gnomAD exomes below 0.00001; TOPMed below 0.00001; gnomAD 0.00001.
gnomAD v4.1: 7 of 1,607,128 alleles (0.00044%); highest among the groups gnomAD compares: Middle Eastern, 0.033%; 1 homozygote.

Submission:

Labcorp Genetics (formerly Invitae), Labcorp
Classification: Uncertain significance. Last evaluated: 2022-07-27. Review status: criteria provided, single submitter. Criteria: Invitae Variant Classification Sherloc (09022015). Collection method: clinical testing. Allele origin: germline.
Comment: This variant has not been reported in the literature in individuals affected with MFSD2A-related conditions. This sequence change replaces isoleucine, which is neutral and non-polar, with leucine, which is neutral and non-polar, at codon 69 of the MFSD2A protein (p.Ile69Leu). This variant is present in population databases (no rsID available, gnomAD 0.0009%). Algorithms developed to predict the effect of missense changes on protein structure and function are either unavailable or do not agree on the potential impact of this missense change (SIFT: "Deleterious"; PolyPhen-2: "Benign"; Align-GVGD: "Class C0"). In summary, the available evidence is currently insufficient to determine the role of this variant in disease. Therefore, it has been classified as a Variant of Uncertain Significance.

NM_032793.5(MFSD2A):c.205A>C (p.Ile69Leu)

Gene: MFSD2A (MFSD2 lysolipid transporter A, lysophospholipid; plus strand). Cytogenetic location: 1p34.2.
Variant type: single nucleotide variant.
Coding change: c.205A>C on transcript NM_032793.5 (MANE Select); coding-DNA position 205, A replaced by C.
Protein change: p.Ile69Leu; replaces isoleucine 69 with leucine.
Molecular consequence: missense variant. On other transcripts: 5 prime UTR variant (1), non-coding transcript variant (1), intron variant (1).
Genome position (GRCh38, 1-based): chr1:39,957,198, A>C. VCF-style: chr1-39957198-A-C. GRCh37 (hg19) VCF-style: chr1-40422870-A-C.
Other names: c.205A>C, p.Ile69Leu (NM_001136493.3, NM_001349822.2); c.94A>C, p.Ile32Leu (NM_001287809.2); c.199A>C, p.Ile67Leu (NM_001349821.2); c.-141A>C (NM_001349823.2); c.-116+1813A>C (NM_001287808.2); short protein forms I32L, I67L, I69L.
Identifiers: ClinVar variation 1968943 (VCV001968943.5), dbSNP rs1201543520, ClinGen allele CA339829835.